The following is an entry in ClinVar:

NM_014339.7(IL17RA):c.718A>G (p.Met240Val)

Gene: IL17RA (interleukin 17 receptor A; plus strand). Cytogenetic location: 22q11.1.
Variant type: single nucleotide variant.
Coding change: c.718A>G on transcript NM_014339.7 (MANE Select); coding-DNA position 718, A replaced by G.
Protein change: p.Met240Val; replaces methionine 240 with valine.
Molecular consequence: missense variant.
Genome position (GRCh38, 1-based): chr22:17,102,258, A>G. VCF-style: chr22-17102258-A-G. GRCh37 (hg19) VCF-style: chr22-17583148-A-G.
Other names: c.718A>G, p.Met240Val (NM_001289905.2); short protein forms M240V.
Identifiers: ClinVar variation 839412 (VCV000839412.7), dbSNP rs1433880642, ClinGen allele CA410213150.

ClinVar aggregate classification (germline): Uncertain significance (1 of 4 stars; one submission).

Conditions:
Immunodeficiency 51 (IMD51). Also called: CANDIDIASIS, FAMILIAL, 5. Identifiers: Orphanet 1334, MedGen C4310803, MONDO:0013500, OMIM 613953.

Allele frequency attached by ClinVar (database versions not stated): gnomAD exomes below 0.00001.
gnomAD v4.1: 3 of 1,614,182 alleles (0.00019%); highest among the groups gnomAD compares: Admixed American, 0.0017%; no homozygotes.

Submission:

Labcorp Genetics (formerly Invitae), Labcorp
Classification: Uncertain significance for Immunodeficiency 51. Last evaluated: 2021-08-27. Review status: criteria provided, single submitter. Criteria: Invitae Variant Classification Sherloc (09022015). Collection method: clinical testing. Allele origin: germline.
Comment: This sequence change replaces methionine with valine at codon 240 of the IL17RA protein (p.Met240Val). The methionine residue is weakly conserved and there is a small physicochemical difference between methionine and valine. This variant is not present in population databases (ExAC no frequency). This variant has not been reported in the literature in individuals affected with IL17RA-related conditions. Algorithms developed to predict the effect of missense changes on protein structure and function (SIFT, PolyPhen-2, Align-GVGD) all suggest that this variant is likely to be tolerated. In summary, the available evidence is currently insufficient to determine the role of this variant in disease. Therefore, it has been classified as a Variant of Uncertain Significance.